The following is an entry in ClinVar:

NM_017636.4(TRPM4):c.93-18C>T

Gene: TRPM4 (transient receptor potential cation channel subfamily M member 4; plus strand). Cytogenetic location: 19q13.33.
Variant type: single nucleotide variant.
Coding change: c.93-18C>T on transcript NM_017636.4 (MANE Select); 18 bases into the intron before coding-DNA position 93, C replaced by T.
Molecular consequence: intron variant.
Genome position (GRCh38, 1-based): chr19:49,166,023, C>T. VCF-style: chr19-49166023-C-T. GRCh37 (hg19) VCF-style: chr19-49669280-C-T.
Other names: c.93-18C>T (NM_001195227.2, NM_001321281.2); c.-1280-18C>T (NM_001321282.2); c.-74-2237C>T (NM_001321283.2); c.-237-2530C>T (NM_001321285.2).
Identifiers: ClinVar variation 516893 (VCV000516893.11), dbSNP rs150300993, ClinGen allele CA9568686.

ClinVar aggregate classification (germline): Benign/Likely benign. Review status: criteria provided, multiple submitters, no conflicts (2 of 4 stars). 4 submissions from 4 submitters: Benign (3); Likely benign (1). Last evaluated 2026-01-20.

Conditions:
Progressive familial heart block type IB (PFHB1B). Identifiers: Orphanet 871, MedGen C1970298, MONDO:0011474, OMIM 604559.

Allele frequency attached by ClinVar (database versions not stated): gnomAD exomes 0.00032 and 0.00063; ExAC 0.00199; gnomAD 0.00249 and 0.00260; 1000 Genomes Project 0.00260; ESP Exome Variant Server 0.00287; TOPMed 0.00297; 1000 Genomes Project 30x 0.00328.
gnomAD v4.1: 839 of 1,576,220 alleles (0.053%); highest among the groups gnomAD compares: African/African-American, 0.95%; 5 homozygotes.

Submissions (4):

Labcorp Genetics (formerly Invitae), Labcorp
Classification: Benign for Progressive familial heart block type IB. Last evaluated: 2026-01-20. Review status: criteria provided, single submitter. Criteria: Invitae Variant Classification Sherloc (09022015). Collection method: clinical testing. Allele origin: germline.

Women's Health and Genetics/Laboratory Corporation of America, LabCorp
Classification: Benign. Last evaluated: 2025-06-16. Review status: criteria provided, single submitter. Criteria: LabCorp Variant Classification Summary - May 2015. Collection method: clinical testing. Allele origin: germline.

Blueprint Genetics
Classification: Likely benign. Last evaluated: 2024-10-23. Review status: criteria provided, single submitter. Criteria: ACMG Guidelines, 2015. Collection method: clinical testing. Allele origin: germline.

GeneDx
Classification: Benign. Last evaluated: 2017-03-17. Review status: criteria provided, single submitter. Criteria: GeneDx Variant Classification (06012015). Collection method: clinical testing. Allele origin: germline. Affected: yes.
Comment: This variant is considered likely benign or benign based on one or more of the following criteria: it is a conservative change, it occurs at a poorly conserved position in the protein, it is predicted to be benign by multiple in silico algorithms, and/or has population frequency not consistent with disease.